The following is an entry in ClinVar:

ClinVar aggregate classification (germline): Likely pathogenic (1 of 4 stars; one submission).

Submission:

Quest Diagnostics Nichols Institute San Juan Capistrano
Classification: Likely pathogenic. Last evaluated: 2024-11-21. Review status: criteria provided, single submitter. Criteria: ACMG/ClinGen CNV Guidelines, 2019. Collection method: clinical testing. Allele origin: unknown.
Comment: This 21q22.13q22.3 duplication involves at least 57 protein-coding genes. The 21q22.2q22.3 region have been proposed as a critical duplication region for the defining features of Down syndrome (Capkova 2014). There are no similar copy number gains of this region in the general populations of the Database of Genomic Variants. Thus, based on gene count, this CNV is classified as likely pathogenic. References: Capkova et al., Biomed Pap Med Fac Univ Palacky Olomouc Czech Repub. 2014 Jun;158(2):321-5. PMID: 24145769

GRCh37/hg19 21q22.13-22.3(chr21:39652840-45862615)x3

Genes: ABCG1 (ATP binding cassette subfamily G member 1; plus strand), AGPAT3 (1-acylglycerol-3-phosphate O-acyltransferase 3; plus strand), AIRE (autoimmune regulator; plus strand), B3GALT5 (beta-1,3-galactosyltransferase 5; plus strand), BACE2 (beta-secretase 2; plus strand) and 51 more. Cytogenetic location: 21q22.13-22.3.
Variant type: copy number gain.
Change: copy number 3 (three copies instead of two) of chr21:39,652,840-45,862,615 (6.21 Mb, GRCh37 coordinates, 1-based), cytogenetic band 21q22.13-22.3.
Identifiers: ClinVar variation 4682974 (VCV004682974.1).